The following is an entry in ClinVar:

ClinVar aggregate classification (germline): Uncertain significance. Review status: criteria provided, multiple submitters, no conflicts (2 of 4 stars). 3 submissions from 3 submitters: Uncertain significance (3). Last evaluated 2025-10-02.

Conditions:
Inborn genetic diseases. Identifiers: MedGen C0950123, MeSH D030342.

Allele frequency attached by ClinVar (database versions not stated): ExAC 0.00002; TOPMed 0.00002; gnomAD 0.00003.

Submissions (3):

Ambry Genetics
Classification: Uncertain significance for Inborn genetic diseases. Last evaluated: 2025-10-02. Review status: criteria provided, single submitter. Criteria: Ambry Variant Classification Scheme 2023. Collection method: clinical testing. Allele origin: germline.

Blueprint Genetics
Classification: Uncertain significance. Last evaluated: 2024-02-28. Review status: criteria provided, single submitter. Criteria: ACMG Guidelines, 2015. Collection method: clinical testing. Allele origin: germline.

Labcorp Genetics (formerly Invitae), Labcorp
Classification: Uncertain significance. Last evaluated: 2022-04-29. Review status: criteria provided, single submitter. Criteria: Invitae Variant Classification Sherloc (09022015). Collection method: clinical testing. Allele origin: germline.
Comment: This sequence change replaces arginine, which is basic and polar, with glutamine, which is neutral and polar, at codon 244 of the COQ9 protein (p.Arg244Gln). This variant is present in population databases (rs750242572, gnomAD 0.02%). This variant has not been reported in the literature in individuals affected with COQ9-related conditions. Algorithms developed to predict the effect of missense changes on protein structure and function are either unavailable or do not agree on the potential impact of this missense change (SIFT: "Deleterious"; PolyPhen-2: "Probably Damaging"; Align-GVGD: "Class C0"). In summary, the available evidence is currently insufficient to determine the role of this variant in disease. Therefore, it has been classified as a Variant of Uncertain Significance.

NM_020312.4(COQ9):c.731G>A (p.Arg244Gln)

Gene: COQ9 (coenzyme Q9; plus strand). Cytogenetic location: 16q21.
Variant type: single nucleotide variant.
Coding change: c.731G>A on transcript NM_020312.4 (MANE Select); coding-DNA position 731, G replaced by A.
Protein change: p.Arg244Gln; replaces arginine 244 with glutamine.
Molecular consequence: missense variant.
Genome position (GRCh38, 1-based): chr16:57,459,584, G>A. VCF-style: chr16-57459584-G-A. GRCh37 (hg19) VCF-style: chr16-57493496-G-A.
Other names: c.731G>A (NM_020312.3); short protein forms R244Q.
Identifiers: ClinVar variation 1972574 (VCV001972574.6), dbSNP rs750242572, ClinGen allele CA8076336.